The following is an entry in ClinVar:

ClinVar aggregate classification (germline): Uncertain significance (1 of 4 stars; one submission).

Submission:

Labcorp Genetics (formerly Invitae), Labcorp
Classification: Uncertain significance. Last evaluated: 2021-05-16. Review status: criteria provided, single submitter. Criteria: Invitae Variant Classification Sherloc (09022015). Collection method: clinical testing. Allele origin: germline.
Comment: In summary, the available evidence is currently insufficient to determine the role of this variant in disease. Therefore, it has been classified as a Variant of Uncertain Significance. Algorithms developed to predict the effect of missense changes on protein structure and function (SIFT, PolyPhen-2, Align-GVGD) all suggest that this variant is likely to be disruptive, but these predictions have not been confirmed by published functional studies and their clinical significance is uncertain. This variant has not been reported in the literature in individuals with DSG1-related conditions. This variant is not present in population databases (ExAC no frequency). This sequence change replaces tyrosine with histidine at codon 423 of the DSG1 protein (p.Tyr423His). The tyrosine residue is highly conserved and there is a moderate physicochemical difference between tyrosine and histidine.

NM_001942.4(DSG1):c.1267T>C (p.Tyr423His)

Gene: DSG1 (desmoglein 1; plus strand). Cytogenetic location: 18q12.1.
Variant type: single nucleotide variant.
Coding change: c.1267T>C on transcript NM_001942.4 (MANE Select); coding-DNA position 1267, T replaced by C.
Protein change: p.Tyr423His; replaces tyrosine 423 with histidine.
Molecular consequence: missense variant.
Genome position (GRCh38, 1-based): chr18:31,338,316, T>C. VCF-style: chr18-31338316-T-C. GRCh37 (hg19) VCF-style: chr18-28918279-T-C.
Other names: short protein forms Y423H.
Identifiers: ClinVar variation 1353882 (VCV001353882.8), dbSNP rs1273012086, ClinGen allele CA402135804.